The following is an entry in ClinVar:

NM_000053.4(ATP7B):c.1387A>G (p.Thr463Ala)

Gene: ATP7B (ATPase copper transporting beta; minus strand). Cytogenetic location: 13q14.3.
Variant type: single nucleotide variant.
Coding change: c.1387A>G on transcript NM_000053.4 (MANE Select); coding-DNA position 1387, A replaced by G.
Protein change: p.Thr463Ala; replaces threonine 463 with alanine.
Molecular consequence: missense variant. On other transcripts: intron variant (1).
Genome position (GRCh38, 1-based): chr13:51,970,648, T>C on the plus strand (A>G on the coding strand, the complement: ATP7B is on the minus strand). VCF-style: chr13-51970648-T-C. GRCh37 (hg19) VCF-style: chr13-52544784-T-C.
Other names: c.1054A>G, p.Thr352Ala (NM_001243182.2); c.1387A>G, p.Thr463Ala (NM_001330578.2, NM_001330579.2, NM_001406511.1 and 28 more transcripts); c.1291A>G, p.Thr431Ala (NM_001406530.1, NM_001406536.1, NM_001406517.1 and 3 more transcripts); c.1285+3287A>G (NM_001406548.1); c.958A>G, p.Thr320Ala (NM_001406539.1); short protein forms T320A, T352A, T431A, T463A.
Identifiers: ClinVar variation 3071442 (VCV003071442.1), dbSNP rs1951793732, ClinGen allele CA388035856.
Genomic context (GRCh38, chr13:51,970,648, plus strand): 5'-TGGTTGATTGTGGGGACTTTGCCAAGATGTCCGGGGCATGGTTTGCAGGGAGCCTCCCAG[T>C]GTGGGGAGCCACTTCCTGCACAGATGTAGGTGTACCATCTGTAGTTTGCACCATGGAATT-3'
Protein context (NP_000044.2, residues 453-473): PTSVQEVAPH[Thr463Ala]GRLPANHAPD

ClinVar aggregate classification (germline): Uncertain significance (1 of 4 stars; one submission).

Conditions:
Wilson disease (WND). Also called: Wilson's disease. Identifiers: Orphanet 905, MedGen C0019202, MONDO:0010200, OMIM 277900. Disease mechanism: loss of function.

Submission:

All of Us Research Program, National Institutes of Health
Classification: Uncertain significance for Wilson disease. Last evaluated: 2023-05-31. Review status: criteria provided, single submitter. Criteria: ACMG Guidelines, 2015. Collection method: clinical testing. Allele origin: germline. Inheritance: Autosomal recessive inheritance. Observed: 1 variant allele, 1 heterozygote.
Comment: This study involves interpretation of variants in research participants for the purpose of population health screening. Participant phenotype was not available at the time of variant classification. Additional details can be found in publication PMID: 35346344, PMCID: PMC8962531